The following is an entry in ClinVar:

NM_005045.4(RELN):c.906C>T (p.Ala302=)

Gene: RELN (reelin; minus strand). Cytogenetic location: 7q22.1.
Variant type: single nucleotide variant.
Coding change: c.906C>T on transcript NM_005045.4 (MANE Select); coding-DNA position 906, C replaced by T.
Protein change: p.Ala302=; no amino-acid change (alanine 302 retained).
Molecular consequence: synonymous variant.
Genome position (GRCh38, 1-based): chr7:103,698,090, G>A on the plus strand (C>T on the coding strand, the complement: RELN is on the minus strand). VCF-style: chr7-103698090-G-A. GRCh37 (hg19) VCF-style: chr7-103338537-G-A.
Other names: c.906C>T, p.Ala302= (NM_173054.3).
Identifiers: ClinVar variation 193677 (VCV000193677.32), dbSNP rs114494558, ClinGen allele CA200725.

ClinVar aggregate classification (germline): Benign/Likely benign. Review status: criteria provided, multiple submitters, no conflicts (2 of 4 stars). 10 submissions from 10 submitters: Benign (2); Likely benign (5). 3 of the submissions do not count toward it. Last evaluated 2026-03-01.

Conditions:
RELN-related disorder. Also called: RELN-related condition.
Norman-Roberts syndrome (LIS2). Also called: Lissencephaly 2 (Norman-Roberts type). Identifiers: Orphanet 89844, MedGen C0796089, MONDO:0009760, OMIM 257320.
Familial temporal lobe epilepsy 7. Identifiers: Orphanet 101046, MedGen C4225327, MONDO:0014639, OMIM 616436.

Allele frequency attached by ClinVar (database versions not stated): gnomAD exomes 0.00023 and 0.00068; ExAC 0.00073; ESP Exome Variant Server 0.00231; gnomAD 0.00264 and 0.00287; TOPMed 0.00287; 1000 Genomes Project 0.00319; 1000 Genomes Project 30x 0.00406.
gnomAD v4.1: 754 of 1,613,654 alleles (0.047%); highest among the groups gnomAD compares: African/African-American, 0.92%; no homozygotes.

Submissions (10):

CeGaT Center for Human Genetics Tuebingen
Classification: Likely benign. Last evaluated: 2026-03-01. Review status: criteria provided, single submitter. Criteria: CeGaT Center For Human Genetics Tuebingen Variant Classification Criteria Version 2. Collection method: clinical testing. Allele origin: germline. Affected: yes. Observed: 1 variant allele.
Comment: RELN: BP4, BP7

Labcorp Genetics (formerly Invitae), Labcorp
Classification: Benign for Familial temporal lobe epilepsy 7; Norman-Roberts syndrome. Last evaluated: 2026-01-28. Review status: criteria provided, single submitter. Criteria: Invitae Variant Classification Sherloc (09022015). Collection method: clinical testing. Allele origin: germline.

Blueprint Genetics
Classification: Likely benign. Last evaluated: 2024-08-12. Review status: criteria provided, single submitter. Criteria: ACMG Guidelines, 2015. Collection method: clinical testing. Allele origin: germline.

GeneDx
Classification: Likely benign. Last evaluated: 2017-03-28. Review status: criteria provided, single submitter. Criteria: GeneDx Variant Classification (06012015). Collection method: clinical testing. Allele origin: germline. Affected: yes.
Comment: This variant is considered likely benign or benign based on one or more of the following criteria: it is a conservative change, it occurs at a poorly conserved position in the protein, it is predicted to be benign by multiple in silico algorithms, and/or has population frequency not consistent with disease.

Genetic Services Laboratory, University of Chicago
Classification: Likely benign. Last evaluated: 2016-01-05. Review status: criteria provided, single submitter. Criteria: ACMG Guidelines, 2015. Collection method: clinical testing. Allele origin: germline. Affected: no.

Eurofins Ntd Llc (ga)
Classification: Benign. Last evaluated: 2014-07-04. Review status: criteria provided, single submitter. Criteria: EGL Classification Definitions 2015. Collection method: clinical testing. Allele origin: germline. Observed: 1 variant allele, 1 heterozygote.

Breakthrough Genomics
Classification: Likely benign. Review status: criteria provided, single submitter. Criteria: ACMG Guidelines, 2015. Collection method: not provided. Allele origin: germline. Inheritance: Autosomal recessive inheritance. Affected: yes.

PreventionGenetics, part of Exact Sciences
Classification: Benign for RELN-related condition. Last evaluated: 2019-05-02. Review status: no assertion criteria provided. Collection method: clinical testing. Allele origin: germline. Not counted in ClinVar's aggregate classification.
Comment: This variant is classified as benign based on ACMG/AMP sequence variant interpretation guidelines (Richards et al. 2015 PMID: 25741868, with internal and published modifications).

Clinical Genetics DNA and cytogenetics Diagnostics Lab, Erasmus MC, Erasmus Medical Center
Classification: Likely benign. Review status: no assertion criteria provided. Collection method: clinical testing. Allele origin: germline. Affected: yes. Study: VKGL Data-share Consensus. Not counted in ClinVar's aggregate classification.

Genome Diagnostics Laboratory, University Medical Center Utrecht
Classification: Likely benign. Review status: no assertion criteria provided. Collection method: clinical testing. Allele origin: germline. Affected: yes. Study: VKGL Data-share Consensus. Not counted in ClinVar's aggregate classification.